The following is an entry in ClinVar:

ClinVar aggregate classification (germline): Pathogenic. Review status: criteria provided, multiple submitters, no conflicts (2 of 4 stars). 2 submissions from 2 submitters: Pathogenic (2). Last evaluated 2023-02-14.

Conditions:
Familial X-linked hypophosphatemic vitamin D refractory rickets (XLHRD). Also called: X-Linked Hypophosphatemia; HYPOPHOSPHATEMIC VITAMIN D-RESISTANT RICKETS; Hypophosphatemia, vitamin D-resistant rickets; Vitamin D-resistant rickets, X-linked; Hypophosphatemic Rickets, X-Linked Dominant. Identifiers: Orphanet 89936, MedGen C0733682, MONDO:0010619, OMIM 307800.

Submissions (2):

Labcorp Genetics (formerly Invitae), Labcorp
Classification: Pathogenic. Last evaluated: 2023-02-14. Review status: criteria provided, single submitter. Criteria: Invitae Variant Classification Sherloc (09022015). Collection method: clinical testing. Allele origin: germline.
Comment: For these reasons, this variant has been classified as Pathogenic. ClinVar contains an entry for this variant (Variation ID: 1388130). This premature translational stop signal has been observed in individual(s) with hypophosphatemic rickets (PMID: 9097956). This variant is not present in population databases (gnomAD no frequency). This sequence change creates a premature translational stop signal (p.Gln311*) in the PHEX gene. It is expected to result in an absent or disrupted protein product. Loss-of-function variants in PHEX are known to be pathogenic (PMID: 9097956, 9106524, 19219621).

Juno Genomics, Hangzhou Juno Genomics, Inc
Classification: Pathogenic for Familial X-linked hypophosphatemic vitamin D refractory rickets. Review status: criteria provided, single submitter. Criteria: ACMG Guidelines, 2015. Collection method: clinical testing. Allele origin: germline. Affected: yes.
Comment: Null variant in a gene where loss of function (LOF) is a known mechanism of disease.;Absent from controls (or at extremely low frequency if recessive) in Genome Aggregation Database, Exome Sequencing Project, 1000 Genomes Project, or Exome Aggregation Consortium.;Assumed de novo, but without confirmation of paternity and maternity.;The prevalence of the variant in affected individuals is significantly increased compared to the prevalence in controls.;Patient's phenotype or family history is highly specific for a disease with a single genetic etiology.

Literature cited by the submitters: PubMed 9097956 (cited by Labcorp Genetics (formerly Invitae), Labcorp); PubMed 9106524 (cited by Labcorp Genetics (formerly Invitae), Labcorp); PubMed 19219621 (cited by Labcorp Genetics (formerly Invitae), Labcorp).

NM_000444.6(PHEX):c.931C>T (p.Gln311Ter)

Gene: PHEX (phosphate regulating endopeptidase X-linked; plus strand). Cytogenetic location: Xp22.11.
Variant type: single nucleotide variant.
Coding change: c.931C>T on transcript NM_000444.6 (MANE Select); coding-DNA position 931, C replaced by T.
Protein change: p.Gln311Ter; replaces glutamine 311 with a stop codon.
Molecular consequence: nonsense.
Genome position (GRCh38, 1-based): chrX:22,097,036, C>T. VCF-style: chrX-22097036-C-T. GRCh37 (hg19) VCF-style: chrX-22115154-C-T.
Other names: c.931C>T, p.Gln311Ter (NM_001282754.2); short protein forms Q311*.
Identifiers: ClinVar variation 1388130 (VCV001388130.10), dbSNP rs1321395083, ClinGen allele CA412572711.